The following is an entry in ClinVar:

NM_001232.4(CASQ2):c.926A>T (p.Asp309Val)

Gene: CASQ2 (calsequestrin 2; minus strand). Cytogenetic location: 1p13.1.
Variant type: single nucleotide variant.
Coding change: c.926A>T on transcript NM_001232.4 (MANE Select); coding-DNA position 926, A replaced by T.
Protein change: p.Asp309Val; replaces aspartic acid 309 with valine.
Molecular consequence: missense variant.
Genome position (GRCh38, 1-based): chr1:115,705,205, T>A on the plus strand (A>T on the coding strand, the complement: CASQ2 is on the minus strand). VCF-style: chr1-115705205-T-A. GRCh37 (hg19) VCF-style: chr1-116247826-T-A.
Other names: short protein forms D309V.
Identifiers: ClinVar variation 811814 (VCV000811814.12), dbSNP rs72703607, ClinGen allele CA1023693.

ClinVar aggregate classification (germline): Uncertain significance. Review status: criteria provided, multiple submitters, no conflicts (2 of 4 stars). 5 submissions from 5 submitters: Uncertain significance (5). Last evaluated 2025-11-22.

Conditions:
Catecholaminergic polymorphic ventricular tachycardia 2. Also called: VENTRICULAR TACHYCARDIA, STRESS-INDUCED POLYMORPHIC 2; CASQ2-Related Catecholaminergic Polymorphic Ventricular Tachycardia. Identifiers: Orphanet 3286, MedGen C2677794, MONDO:0012762, OMIM 611938.
Catecholaminergic polymorphic ventricular tachycardia 1. Also called: VENTRICULAR TACHYCARDIA, CATECHOLAMINERGIC POLYMORPHIC, 1, WITH OR WITHOUT ATRIAL DYSFUNCTION AND/OR DILATED CARDIOMYOPATHY; VENTRICULAR TACHYCARDIA, STRESS-INDUCED POLYMORPHIC 1; RYR2-Related Catecholaminergic Polymorphic Ventricular Tachycardia. Identifiers: Orphanet 3286, MedGen C1631597, MONDO:0011484, OMIM 604772.
Cardiovascular phenotype. Identifiers: MedGen CN230736.

gnomAD v4.1: 11 of 1,612,278 alleles (0.00068%); highest among the groups gnomAD compares: Non-Finnish European, 0.00085%; no homozygotes.

Submissions (5):

Labcorp Genetics (formerly Invitae), Labcorp
Classification: Uncertain significance for Catecholaminergic polymorphic ventricular tachycardia 1. Last evaluated: 2025-11-22. Review status: criteria provided, single submitter. Criteria: Invitae Variant Classification Sherloc (09022015). Collection method: clinical testing. Allele origin: germline.
Comment: This sequence change replaces aspartic acid, which is acidic and polar, with valine, which is neutral and non-polar, at codon 309 of the CASQ2 protein (p.Asp309Val). This variant is present in population databases (rs72703607, gnomAD 0.002%). This variant has not been reported in the literature in individuals affected with CASQ2-related conditions. ClinVar contains an entry for this variant (Variation ID: 811814). Invitae Evidence Modeling of protein sequence and biophysical properties (such as structural, functional, and spatial information, amino acid conservation, physicochemical variation, residue mobility, and thermodynamic stability) has been performed for this missense variant. However, the output from this modeling did not meet the statistical confidence thresholds required to predict the impact of this variant on CASQ2 protein function. In summary, the available evidence is currently insufficient to determine the role of this variant in disease. Therefore, it has been classified as a Variant of Uncertain Significance.

Ambry Genetics
Classification: Uncertain significance for Cardiovascular phenotype. Last evaluated: 2025-06-23. Review status: criteria provided, single submitter. Criteria: Ambry Variant Classification Scheme 2023. Collection method: clinical testing. Allele origin: germline.
Comment: The p.D309V variant (also known as c.926A>T), located in coding exon 9 of the CASQ2 gene, results from an A to T substitution at nucleotide position 926. The aspartic acid at codon 309 is replaced by valine, an amino acid with highly dissimilar properties. This amino acid position is highly conserved in available vertebrate species. In addition, this alteration is predicted to be deleterious by in silico analysis. Based on the available evidence, the clinical significance of this variant remains unclear.

Genome-Nilou Lab
Classification: Uncertain significance for Catecholaminergic polymorphic ventricular tachycardia 2. Last evaluated: 2023-04-11. Review status: criteria provided, single submitter. Criteria: ACMG Guidelines, 2015. Collection method: clinical testing. Allele origin: germline. Affected: no.

Fulgent Genetics
Classification: Uncertain significance for Catecholaminergic polymorphic ventricular tachycardia 1; Catecholaminergic polymorphic ventricular tachycardia 2. Last evaluated: 2021-07-20. Review status: criteria provided, single submitter. Criteria: ACMG Guidelines, 2015. Collection method: clinical testing. Allele origin: unknown.

ARUP Laboratories, Molecular Genetics and Genomics, ARUP Laboratories
Classification: Uncertain significance for Catecholaminergic polymorphic ventricular tachycardia 2. Last evaluated: 2018-11-13. Review status: criteria provided, single submitter. Criteria: ARUP Molecular Germline Variant Investigation Process. Collection method: clinical testing. Allele origin: germline.
Comment: The CASQ2 c.926A>T; p.Asp309Val variant (rs72703607), to our knowledge, is not reported in the medical literature or gene specific databases. This variant is found on only two chromosomes in the Genome Aggregation Database, indicating it is not a common polymorphism. The aspartate at codon 309 is highly conserved, and computational analyses (SIFT, PolyPhen-2) predict that this variant is deleterious. However, given the lack of clinical and functional data, the significance of the p.Asp309Val variant is uncertain at this time.